The following is an entry in ClinVar:

ClinVar aggregate classification (germline): Uncertain significance (1 of 4 stars; one submission).

Conditions:
Catecholaminergic polymorphic ventricular tachycardia (CVPT). Also called: Catecholamine-induced polymorphic ventricular tachycardia. Identifiers: Orphanet 3286, MedGen C5574922, MONDO:0017990.

Submission:

All of Us Research Program, National Institutes of Health
Classification: Uncertain significance for Catecholaminergic polymorphic ventricular tachycardia. Last evaluated: 2023-06-26. Review status: criteria provided, single submitter. Criteria: ACMG Guidelines, 2015. Collection method: clinical testing. Allele origin: germline. Inheritance: Autosomal dominant inheritance. Observed: 1 variant allele, 1 heterozygote.
Comment: This missense variant replaces serine with phenylalanine at codon 4700 of the RYR2 protein. Computational prediction suggests that this variant may have deleterious impact on protein structure and function (internally defined REVEL score threshold >= 0.7, PMID: 27666373). To our knowledge, functional studies have not been reported for this variant. This variant has not been reported in individuals affected with RYR2-related disorders in the literature. This variant has not been identified in the general population by the Genome Aggregation Database (gnomAD). The available evidence is insufficient to determine the role of this variant in disease conclusively. Therefore, this variant is classified as a Variant of Uncertain Significance.

This study involves interpretation of variants in research participants for the purpose of population health screening. Participant phenotype was not available at the time of variant classification. Additional details can be found in publication PMID: 35346344, PMCID: PMC8962531

NM_001035.3(RYR2):c.14099C>T (p.Ser4700Phe)

Gene: RYR2 (ryanodine receptor 2; plus strand). Cytogenetic location: 1q43.
Variant type: single nucleotide variant.
Coding change: c.14099C>T on transcript NM_001035.3 (MANE Select); coding-DNA position 14099, C replaced by T.
Protein change: p.Ser4700Phe; replaces serine 4700 with phenylalanine.
Molecular consequence: missense variant.
Genome position (GRCh38, 1-based): chr1:237,801,864, C>T. VCF-style: chr1-237801864-C-T. GRCh37 (hg19) VCF-style: chr1-237965164-C-T.
Other names: short protein forms S4700F.
Identifiers: ClinVar variation 3071968 (VCV003071968.1), dbSNP rs751671749, ClinGen allele CA345421049.